The following is an entry in ClinVar:

ClinVar aggregate classification (germline): Likely benign. Review status: criteria provided, multiple submitters, no conflicts (2 of 4 stars). 2 submissions from 2 submitters: Likely benign (2). Last evaluated 2026-05-01.

Conditions:
Inborn genetic diseases. Identifiers: MedGen C0950123, MeSH D030342.

Allele frequency attached by ClinVar (database versions not stated): TOPMed 0.00002; gnomAD exomes 0.00004; gnomAD 0.00007; ESP Exome Variant Server 0.00008; ExAC 0.00010.
gnomAD v4.1: 69 of 1,592,036 alleles (0.0043%); highest among the groups gnomAD compares: East Asian, 0.022%; 1 homozygote.

Submissions (3):

CeGaT Center for Human Genetics Tuebingen
Classification: Likely benign. Last evaluated: 2026-05-01. Review status: criteria provided, single submitter. Criteria: CeGaT Center For Human Genetics Tuebingen Variant Classification Criteria Version 2. Collection method: clinical testing. Allele origin: germline. Affected: yes. Observed: 1 variant allele.
Comment: FZR1: BP4

Ambry Genetics
Classification: Likely benign for Inborn genetic diseases. Last evaluated: 2022-02-10. Review status: criteria provided, single submitter. Criteria: Ambry Variant Classification Scheme 2023. Collection method: clinical testing. Allele origin: germline.

Dr. Peter K. Rogan Lab, Western University
No classification provided (evidence only). Condition: Colon adenocarcinoma. Review status: no classification provided. Collection method: in vitro. Allele origin: not applicable. Functional consequence: retained intron. Not counted in ClinVar's aggregate classification.

NM_016263.4(FZR1):c.67C>T (p.Arg23Cys)

Gene: FZR1 (fizzy and cell division cycle 20 related 1; plus strand). Cytogenetic location: 19p13.3.
Variant type: single nucleotide variant.
Coding change: c.67C>T on transcript NM_016263.4 (MANE Select); coding-DNA position 67, C replaced by T.
Protein change: p.Arg23Cys; replaces arginine 23 with cysteine.
Molecular consequence: missense variant.
Genome position (GRCh38, 1-based): chr19:3,523,056, C>T. VCF-style: chr19-3523056-C-T. GRCh37 (hg19) VCF-style: chr19-3523054-C-T.
Other names: NC_000019.9:g.3523054C>T; c.67C>T, p.Arg23Cys (NM_001136197.1, NM_001136198.1); short protein forms R23C.
Identifiers: ClinVar variation 2276508 (VCV002276508.5), dbSNP rs369267353, ClinGen allele CA9078088.